The following is an entry in ClinVar:

ClinVar aggregate classification (germline): VUS-low (1 of 4 stars; one submission).

Conditions:
Autosomal recessive nonsyndromic hearing loss 1A (DFNB1A). Also called: Connexin 26 deafness; Deafness nonsyndromic, Connexin 26 linked; GJB6-Related DFNB 1 Nonsyndromic Hearing Loss and Deafness; Deafness, autosomal recessive 1A; Nonsyndromic Hearing Loss and Deafness, DFNB1; GJB2-Related Autosomal Recessive Nonsyndromic Hearing Loss. Identifiers: Orphanet 90636, MedGen C2673759, MONDO:0009076, OMIM 220290.

Submission:

Department of Otorhinolaryngology, Head and Neck Surgery, Xinhua Hospital, Shanghai Jiao Tong University School of Medicine
Classification: VUS-low for Autosomal recessive nonsyndromic hearing loss 1A. Last evaluated: 2026-06-07. Review status: criteria provided, single submitter. Criteria: ACMG Guidelines, 2015. Collection method: clinical testing. Allele origin: germline. Affected: yes.
Comment: PM2

NM_004004.6(GJB2):c.283G>C (p.Val95Leu)

Gene: GJB2 (gap junction protein beta 2; minus strand). Cytogenetic location: 13q12.11.
Variant type: single nucleotide variant.
Coding change: c.283G>C on transcript NM_004004.6 (MANE Select); coding-DNA position 283, G replaced by C.
Protein change: p.Val95Leu; replaces valine 95 with leucine.
Molecular consequence: missense variant.
Genome position (GRCh38, 1-based): chr13:20,189,299, C>G on the plus strand (G>C on the coding strand, the complement: GJB2 is on the minus strand). VCF-style: chr13-20189299-C-G. GRCh37 (hg19) VCF-style: chr13-20763438-C-G.
Other names: short protein forms V95L.
Identifiers: ClinVar variation 4856990 (VCV004856990.1).